The following is an entry in ClinVar:

ClinVar aggregate classification (germline): Uncertain significance (1 of 4 stars; one submission).

Submission:

GeneDx
Classification: Uncertain significance. Last evaluated: 2026-07-29. Review status: criteria provided, single submitter. Criteria: GeneDx Variant Classification Process June 2021. Collection method: clinical testing. Allele origin: germline.
Comment: Not observed at significant frequency in large population cohorts (gnomAD); In silico analysis supports that this missense variant has a deleterious effect on protein structure/function; Has not been previously published as pathogenic or benign to our knowledge

NM_001291415.2(KDM6A):c.932T>C (p.Ile311Thr)

Gene: KDM6A (lysine demethylase 6A; plus strand). Cytogenetic location: Xp11.3.
Variant type: single nucleotide variant.
Coding change: c.932T>C on transcript NM_001291415.2 (MANE Select); coding-DNA position 932, T replaced by C.
Protein change: p.Ile311Thr; replaces isoleucine 311 with threonine.
Molecular consequence: missense variant. On other transcripts: non-coding transcript variant (1).
Genome position (GRCh38, 1-based): chrX:45,059,062, T>C. VCF-style: chrX-45059062-T-C. GRCh37 (hg19) VCF-style: chrX-44918307-T-C.
Other names: c.932T>C, p.Ile311Thr (NM_001291416.2, NM_001291417.2, NM_001291418.2 and 9 more transcripts); c.179T>C, p.Ile60Thr (NM_001291421.2); short protein forms I311T, I60T.
Identifiers: ClinVar variation 3363293 (VCV003363293.2).